The following is an entry in ClinVar:

ClinVar aggregate classification (germline): Uncertain significance (1 of 4 stars; one submission).

Conditions:
Charcot-Marie-Tooth disease axonal type 2O. Also called: CHARCOT-MARIE-TOOTH NEUROPATHY, AXONAL, TYPE 2O; CHARCOT-MARIE-TOOTH DISEASE, AXONAL, AUTOSOMAL DOMINANT, TYPE 2O; Charcot-Marie-Tooth Neuropathy Type 2O; Charcot-Marie-Tooth disease, axonal, type 20. Identifiers: Orphanet 284232, MedGen C3280220, MONDO:0013644, OMIM 614228.

Allele frequency attached by ClinVar (database versions not stated): gnomAD exomes below 0.00001.
gnomAD v4.1: 1 of 1,613,228 alleles (0.000062%); highest among the groups gnomAD compares: Non-Finnish European, 0.000085%; no homozygotes.

Submission:

Labcorp Genetics (formerly Invitae), Labcorp
Classification: Uncertain significance for Charcot-Marie-Tooth disease axonal type 2O. Last evaluated: 2025-04-20. Review status: criteria provided, single submitter. Criteria: Invitae Variant Classification Sherloc (09022015). Collection method: clinical testing. Allele origin: germline.
Comment: This sequence change replaces glutamic acid, which is acidic and polar, with aspartic acid, which is acidic and polar, at codon 4454 of the DYNC1H1 protein (p.Glu4454Asp). This variant is not present in population databases (gnomAD no frequency). This variant has not been reported in the literature in individuals affected with DYNC1H1-related conditions. ClinVar contains an entry for this variant (Variation ID: 2753102). Invitae Evidence Modeling of protein sequence and biophysical properties (such as structural, functional, and spatial information, amino acid conservation, physicochemical variation, residue mobility, and thermodynamic stability) indicates that this missense variant is not expected to disrupt DYNC1H1 protein function with a negative predictive value of 95%. In summary, the available evidence is currently insufficient to determine the role of this variant in disease. Therefore, it has been classified as a Variant of Uncertain Significance.

NM_001376.5(DYNC1H1):c.13362G>C (p.Glu4454Asp)

Gene: DYNC1H1 (dynein cytoplasmic 1 heavy chain 1; plus strand). Cytogenetic location: 14q32.31.
Variant type: single nucleotide variant.
Coding change: c.13362G>C on transcript NM_001376.5 (MANE Select); coding-DNA position 13362, G replaced by C.
Protein change: p.Glu4454Asp; replaces glutamic acid 4454 with aspartic acid.
Molecular consequence: missense variant.
Genome position (GRCh38, 1-based): chr14:102,048,659, G>C. VCF-style: chr14-102048659-G-C. GRCh37 (hg19) VCF-style: chr14-102514996-G-C.
Other names: short protein forms E4454D.
Identifiers: ClinVar variation 2753102 (VCV002753102.3), dbSNP rs2048760177, ClinGen allele CA391048552.